The following is an entry in ClinVar:

NM_001256789.3(CACNA1F):c.2415AGAGGAAGA[4] (p.Glu812_Glu814dup)

Gene: CACNA1F (calcium voltage-gated channel subunit alpha1 F; minus strand). Cytogenetic location: Xp11.23.
Variant type: Microsatellite.
Coding change: c.2415AGAGGAAGA[4] on transcript NM_001256789.3 (MANE Select); four copies in a row of the 9-base unit AGAGGAAGA starting at c.2415; the reference has three copies in a row; one copy, 9 bases duplicated.
Protein change: p.Glu812_Glu814dup.
Molecular consequence: inframe insertion.
Genome position (GRCh38, 1-based): chrX:49,219,736-49,219,744, TCTTCCTCT duplicated on the plus strand (AGAGGAAGA on the coding strand, the reverse complement: CACNA1F is on the minus strand); duplicating any 9 consecutive bases within chrX:49,219,736-49,219,770 gives the same sequence; the position shown is the placement nearest the transcript's 3' end. VCF-style (leftmost placement, unchanged base first): chrX-49219735-C-CTCTTCCTCT. GRCh37 (hg19) VCF-style: chrX-49076194-C-CTCTTCCTCT.
Other names: c.2253AGAGGAAGA[4], p.Glu758_Glu760dup (NM_001256790.3); c.2448AGAGGAAGA[4], p.Glu823_Glu825dup (NM_005183.4); c.2466_2474dup9 (NM_005183.3).
Identifiers: ClinVar variation 288897 (VCV000288897.38), dbSNP rs59355923, ClinGen allele CA10410665.

ClinVar aggregate classification (germline): Conflicting classifications of pathogenicity. Review status: criteria provided, conflicting classifications (1 of 4 stars). 5 submissions from 5 submitters: Uncertain significance (1); Likely benign (3). 1 of the submissions does not count toward it. Last evaluated 2025-11-10.

Conditions:
CACNA1F-related disorder. Also called: CACNA1F-related condition.

Submissions (5):

Labcorp Genetics (formerly Invitae), Labcorp
Classification: Uncertain significance. Last evaluated: 2025-11-10. Review status: criteria provided, single submitter. Criteria: Invitae Variant Classification Sherloc (09022015). Collection method: clinical testing. Allele origin: germline.
Comment: This variant, c.2466_2474dup, results in the insertion of 3 amino acid(s) of the CACNA1F protein (p.Glu823_Glu825dup), but otherwise preserves the integrity of the reading frame. The frequency data for this variant in the population databases is considered unreliable, as metrics indicate poor data quality at this position in the gnomAD database. This variant has not been reported in the literature in individuals affected with CACNA1F-related conditions. ClinVar contains an entry for this variant (Variation ID: 288897). Experimental studies and prediction algorithms are not available or were not evaluated, and the functional significance of this variant is currently unknown. In summary, the available evidence is currently insufficient to determine the role of this variant in disease. Therefore, it has been classified as a Variant of Uncertain Significance.

Blueprint Genetics
Classification: Likely benign. Last evaluated: 2024-11-11. Review status: criteria provided, single submitter. Criteria: ACMG Guidelines, 2015. Collection method: clinical testing. Allele origin: germline.

CeGaT Center for Human Genetics Tuebingen
Classification: Likely benign. Last evaluated: 2023-04-01. Review status: criteria provided, single submitter. Criteria: CeGaT Center For Human Genetics Tuebingen Variant Classification Criteria Version 2. Collection method: clinical testing. Allele origin: germline. Affected: yes. Observed: 1 variant allele.
Comment: CACNA1F: BS2

Eurofins Ntd Llc (ga)
Classification: Likely benign. Last evaluated: 2016-08-11. Review status: criteria provided, single submitter. Criteria: EGL Classification Definitions. Collection method: clinical testing. Allele origin: germline. Observed: 1 variant allele, 1 hemizygote.

PreventionGenetics, part of Exact Sciences
Classification: Likely benign for CACNA1F-related condition. Last evaluated: 2019-12-10. Review status: no assertion criteria provided. Collection method: clinical testing. Allele origin: germline. Not counted in ClinVar's aggregate classification.
Comment: This variant is classified as likely benign based on ACMG/AMP sequence variant interpretation guidelines (Richards et al. 2015 PMID: 25741868, with internal and published modifications).